The following is an entry in ClinVar:

ClinVar aggregate classification (germline): Uncertain significance (1 of 4 stars; one submission).

Conditions:
Cardiovascular phenotype. Identifiers: MedGen CN230736.

gnomAD v4.1: 1 of 1,613,706 alleles (0.000062%); highest among the groups gnomAD compares: Non-Finnish European, 0.000085%; no homozygotes.

Submission:

Ambry Genetics
Classification: Uncertain significance for Cardiovascular phenotype. Last evaluated: 2025-02-08. Review status: criteria provided, single submitter. Criteria: Ambry Variant Classification Scheme 2023. Collection method: clinical testing. Allele origin: germline.
Comment: The p.C435F variant (also known as c.1304G>T), located in coding exon 7 of the SPRED1 gene, results from a G to T substitution at nucleotide position 1304. The cysteine at codon 435 is replaced by phenylalanine, an amino acid with highly dissimilar properties. This amino acid position is conserved. In addition, this alteration is predicted to be deleterious by in silico analysis. Based on the available evidence, the clinical significance of this variant remains unclear.

NM_152594.3(SPRED1):c.1304G>T (p.Cys435Phe)

Gene: SPRED1 (sprouty related EVH1 domain containing 1; plus strand). Cytogenetic location: 15q14.
Variant type: single nucleotide variant.
Coding change: c.1304G>T on transcript NM_152594.3 (MANE Select); coding-DNA position 1304, G replaced by T.
Protein change: p.Cys435Phe; replaces cysteine 435 with phenylalanine.
Molecular consequence: missense variant.
Genome position (GRCh38, 1-based): chr15:38,351,633, G>T. VCF-style: chr15-38351633-G-T. GRCh37 (hg19) VCF-style: chr15-38643834-G-T.
Other names: short protein forms C435F.
Identifiers: ClinVar variation 3800916 (VCV003800916.1).